The following is an entry in ClinVar:

NM_032608.7(MYO18B):c.6757T>G (p.Phe2253Val)

Gene: MYO18B (myosin XVIIIB; plus strand). Cytogenetic location: 22q12.1.
Variant type: single nucleotide variant.
Coding change: c.6757T>G on transcript NM_032608.7 (MANE Select); coding-DNA position 6757, T replaced by G.
Protein change: p.Phe2253Val; replaces phenylalanine 2253 with valine.
Molecular consequence: missense variant.
Genome position (GRCh38, 1-based): chr22:26,026,731, T>G. VCF-style: chr22-26026731-T-G. GRCh37 (hg19) VCF-style: chr22-26422697-T-G.
Other names: c.6760T>G, p.Phe2254Val (NM_001318245.2); short protein forms F2253V, F2254V.
Identifiers: ClinVar variation 1520281 (VCV001520281.6), dbSNP rs1032998516, ClinGen allele CA322814990.

ClinVar aggregate classification (germline): Uncertain significance (1 of 4 stars; one submission).

Allele frequency attached by ClinVar (database versions not stated): gnomAD exomes below 0.00001 and 0.00001; gnomAD 0.00001; TOPMed 0.00001.
gnomAD v4.1: 5 of 1,612,874 alleles (0.00031%); highest among the groups gnomAD compares: Non-Finnish European, 0.00042%; no homozygotes.

Submission:

Labcorp Genetics (formerly Invitae), Labcorp
Classification: Uncertain significance. Last evaluated: 2025-09-03. Review status: criteria provided, single submitter. Criteria: Invitae Variant Classification Sherloc (09022015). Collection method: clinical testing. Allele origin: germline.
Comment: This sequence change replaces phenylalanine, which is neutral and non-polar, with valine, which is neutral and non-polar, at codon 2253 of the MYO18B protein (p.Phe2253Val). This variant is present in population databases (no rsID available, gnomAD 0.0009%). This variant has not been reported in the literature in individuals affected with MYO18B-related conditions. ClinVar contains an entry for this variant (Variation ID: 1520281). An algorithm developed to predict the effect of missense changes on protein structure and function (PolyPhen-2) suggests that this variant is likely to be disruptive. In summary, the available evidence is currently insufficient to determine the role of this variant in disease. Therefore, it has been classified as a Variant of Uncertain Significance.